The following is an entry in ClinVar:

ClinVar aggregate classification (germline): Uncertain significance. Review status: criteria provided, multiple submitters, no conflicts (2 of 4 stars). 2 submissions from 2 submitters: Uncertain significance (2). Last evaluated 2025-12-16.

Conditions:
Cardiac arrhythmia. Also called: Cardiac rhythm disease; Arrhythmia. Identifiers: MedGen C0003811, MONDO:0007263, HP:0011675.
Long QT syndrome (LQTS). Identifiers: MedGen C0023976, MeSH D008133, MONDO:0002442. Disease mechanism: loss of function. Inheritance: Various modes of inheritance.

Allele frequency attached by ClinVar (database versions not stated): gnomAD exomes below 0.00001; ExAC 0.00001.
gnomAD v4.1: 3 of 1,613,288 alleles (0.00019%); highest among the groups gnomAD compares: Non-Finnish European, 0.00025%; no homozygotes.

Submissions (2):

Labcorp Genetics (formerly Invitae), Labcorp
Classification: Uncertain significance for Long QT syndrome. Last evaluated: 2025-12-16. Review status: criteria provided, single submitter. Criteria: Invitae Variant Classification Sherloc (09022015). Collection method: clinical testing. Allele origin: germline.
Comment: This sequence change replaces methionine, which is neutral and non-polar, with isoleucine, which is neutral and non-polar, at codon 210 of the KCNQ1 protein (p.Met210Ile). This variant is present in population databases (rs776811872, gnomAD 0.0009%). This variant has not been reported in the literature in individuals affected with KCNQ1-related conditions. ClinVar contains an entry for this variant (Variation ID: 923241). Invitae Evidence Modeling of protein sequence and biophysical properties (such as structural, functional, and spatial information, amino acid conservation, physicochemical variation, residue mobility, and thermodynamic stability) indicates that this missense variant is not expected to disrupt KCNQ1 protein function with a negative predictive value of 95%. In summary, the available evidence is currently insufficient to determine the role of this variant in disease. Therefore, it has been classified as a Variant of Uncertain Significance.

Color Diagnostics, LLC DBA Color Health
Classification: Uncertain significance for Cardiac arrhythmia. Last evaluated: 2025-07-09. Review status: criteria provided, single submitter. Criteria: ACMG Guidelines, 2015. Collection method: clinical testing. Allele origin: germline.
Comment: This missense variant replaces methionine with isoleucine at codon 210 of the KCNQ1 protein. Computational prediction suggests that this variant may not impact protein structure and function. To our knowledge, functional studies have not been reported for this variant. This variant has not been reported in individuals affected with KCNQ1-related disorders in the literature. This variant has been identified in 1/250528 chromosomes in the general population by the Genome Aggregation Database (gnomAD). The available evidence is insufficient to determine the role of this variant in disease conclusively. Therefore, this variant is classified as a Variant of Uncertain Significance.

NM_000218.3(KCNQ1):c.630G>A (p.Met210Ile)

Gene: KCNQ1 (potassium voltage-gated channel subfamily Q member 1; plus strand). Cytogenetic location: 11p15.5.
Variant type: single nucleotide variant.
Coding change: c.630G>A on transcript NM_000218.3 (MANE Select); coding-DNA position 630, G replaced by A.
Protein change: p.Met210Ile; replaces methionine 210 with isoleucine.
Molecular consequence: missense variant.
Genome position (GRCh38, 1-based): chr11:2,571,350, G>A. VCF-style: chr11-2571350-G-A. GRCh37 (hg19) VCF-style: chr11-2592580-G-A.
Other names: c.630G>A, p.Met210Ile (NM_001406836.1); c.360G>A, p.Met120Ile (NM_001406837.1); c.249G>A, p.Met83Ile (NM_181798.2); short protein forms M83I, M210I, M120I.
Identifiers: ClinVar variation 923241 (VCV000923241.13), dbSNP rs776811872, ClinGen allele CA039228.
Genomic context (GRCh38, chr11:2,571,350, plus strand): 5'-ATCACGAAAAGCTCCCCCTCTCCTGCACTCCACAGACCTCATCGTGGTCGTGGCCTCCAT[G>A]GTGGTCCTCTGCGTGGGCTCCAAGGGGCAGGTGTTTGCCACGTCGGCCATCAGGTGCGTC-3'
Protein context (NP_000209.2, residues 200-220): IIDLIVVVAS[Met210Ile]VVLCVGSKGQ